The following is an entry in ClinVar:

ClinVar aggregate classification (germline): Conflicting classifications of pathogenicity. Review status: criteria provided, conflicting classifications (1 of 4 stars). 5 submissions from 5 submitters: Uncertain significance (3); Likely benign (2). Last evaluated 2025-12-16.

Conditions:
Autosomal recessive limb-girdle muscular dystrophy type 2J (LGMDR10). Also called: Limb-girdle muscular dystrophy, type 2J; MUSCULAR DYSTROPHY, LIMB-GIRDLE, AUTOSOMAL RECESSIVE 10. Identifiers: Orphanet 140922, MedGen C1837342, MONDO:0012127, OMIM 608807.
Dilated cardiomyopathy 1G (CMD1G). Identifiers: Orphanet 154, MedGen C1858763, MONDO:0011400, OMIM 604145.

Allele frequency attached by ClinVar (database versions not stated): gnomAD 0.00002 and 0.00003; gnomAD exomes 0.00003 and 0.00016; TOPMed 0.00007; ExAC 0.00013.
gnomAD v4.1: 51 of 1,613,180 alleles (0.0032%); highest among the groups gnomAD compares: Admixed American, 0.077%; no homozygotes.

Submissions (5):

Labcorp Genetics (formerly Invitae), Labcorp
Classification: Likely benign for Dilated cardiomyopathy 1G; Autosomal recessive limb-girdle muscular dystrophy type 2J. Last evaluated: 2025-12-16. Review status: criteria provided, single submitter. Criteria: Invitae Variant Classification Sherloc (09022015). Collection method: clinical testing. Allele origin: germline.

Revvity Omics, Revvity
Classification: Uncertain significance. Last evaluated: 2024-07-30. Review status: criteria provided, single submitter. Criteria: ACMG Guidelines, 2015. Collection method: clinical testing. Allele origin: germline.

GeneDx
Classification: Likely benign. Last evaluated: 2021-04-21. Review status: criteria provided, single submitter. Criteria: GeneDx Variant Classification Process June 2021. Collection method: clinical testing. Allele origin: germline. Affected: yes.

ARUP Laboratories, Molecular Genetics and Genomics, ARUP Laboratories
Classification: Uncertain significance. Last evaluated: 2020-05-28. Review status: criteria provided, single submitter. Criteria: ARUP Molecular Germline Variant Investigation Process. Collection method: clinical testing. Allele origin: germline.
Comment: The TTN c.53261T>C; p.Phe17754Ser variant (rs749312983; ClinVar Variation ID: 413198 ) is rare in the general population (<1% allele frequency in the Genome Aggregation Database) and has not been reported in the medical literature in association with dilated cardiomyopathy (DCM) or other TTN-related disease. The clinical relevance of rare missense variants in this gene, which are identified on average once per individual sequenced in affected populations (Herman 2012), is not well understood. Yet, evidence suggests that the vast majority of such missense variants do not contribute to the clinical outcome of DCM (Begay 2015). Thus, the clinical significance of the p.Phe17754Ser variant cannot be determined with certainty.

Eurofins Ntd Llc (ga)
Classification: Uncertain significance. Last evaluated: 2017-01-04. Review status: criteria provided, single submitter. Criteria: EGL Classification Definitions 2015. Collection method: clinical testing. Allele origin: germline. Observed: 3 variant alleles, 2 heterozygotes.

NM_001267550.2(TTN):c.53261T>C (p.Phe17754Ser)

Genes: TTN-AS1 (TTN antisense RNA 1; plus strand), TTN (titin; minus strand), LOC126806425 (BRD4-independent group 4 enhancer GRCh37_chr2:179471933-179473132; plus strand). Cytogenetic location: 2q31.2.
Variant type: single nucleotide variant.
Coding change: c.53261T>C on transcript NM_001267550.2 (MANE Select); coding-DNA position 53261, T replaced by C.
Protein change: p.Phe17754Ser; replaces phenylalanine 17754 with serine.
Molecular consequence: missense variant.
Genome position (GRCh38, 1-based): chr2:178,607,427, A>G on the plus strand (T>C on the coding strand, the complement: TTN is on the minus strand). VCF-style: chr2-178607427-A-G. GRCh37 (hg19) VCF-style: chr2-179472154-A-G.
Other names: c.48338T>C, p.Phe16113Ser (NM_001256850.1); c.26066T>C, p.Phe8689Ser (NM_003319.4); c.45557T>C, p.Phe15186Ser (NM_133378.4); c.26441T>C, p.Phe8814Ser (NM_133432.3); c.26642T>C, p.Phe8881Ser (NM_133437.4); short protein forms F17754S, F15186S, F16113S, F8689S, F8814S, F8881S.
Identifiers: ClinVar variation 413198 (VCV000413198.29), dbSNP rs749312983, ClinGen allele CA1993835.
Genomic context (GRCh38, chr2:178,607,427, plus strand): 5'-AAAATCCTGTGAAAATCAGTGCAACATTCCTTACCAAAAACTTCTACCCTGGCTGCTGCA[A>G]ATTTGGAACCACAGCTATTTGTAGCTGTAATCACATATCTGCCATGGTCTTTTCGCAGTG-3'
Protein context (NP_001254479.2, residues 17744-17764): ITATNSCGSK[Phe17754Ser]AAARVEVFDV